The following is an entry in ClinVar:

NM_000218.3(KCNQ1):c.1393+29908A>G

Genes: KCNQ1 (potassium voltage-gated channel subfamily Q member 1; plus strand), KCNQ1OT1 (KCNQ1 opposite strand/antisense transcript 1; minus strand). Cytogenetic location: 11p15.5.
Variant type: single nucleotide variant.
Coding change: c.1393+29908A>G on transcript NM_000218.3 (MANE Select); 29908 bases into the intron after coding-DNA position 1393, A replaced by G.
Molecular consequence: intron variant. On other transcripts: non-coding transcript variant (1).
Genome position (GRCh38, 1-based): chr11:2,618,762, A>G. VCF-style: chr11-2618762-A-G. GRCh37 (hg19) VCF-style: chr11-2639992-A-G.
Other names: c.1123+29908A>G (NM_001406837.1); c.1297+29908A>G (NM_001406836.1); c.853+29908A>G (NM_001406838.1); c.1012+29908A>G (NM_181798.2).
Identifiers: ClinVar variation 4873941 (VCV004873941.2).

ClinVar aggregate classification (germline): Likely benign (1 of 4 stars; one submission).

gnomAD v4.1: 267 of 398,474 alleles (0.067%); highest among the groups gnomAD compares: African/African-American, 0.44%; no homozygotes.

Submission:

CeGaT Center for Human Genetics Tuebingen
Classification: Likely benign. Last evaluated: 2026-06-01. Review status: criteria provided, single submitter. Criteria: CeGaT Center For Human Genetics Tuebingen Variant Classification Criteria Version 2. Collection method: clinical testing. Allele origin: germline. Affected: yes. Observed: 1 variant allele.
Comment: KCNQ1OT1: BS2